The following is an entry in ClinVar:

ClinVar aggregate classification (germline): Conflicting classifications of pathogenicity. Review status: criteria provided, conflicting classifications (1 of 4 stars). 3 submissions from 3 submitters: Uncertain significance (2); Likely benign (1). Last evaluated 2024-12-23.

Conditions:
Hereditary cancer-predisposing syndrome. Also called: Hereditary Cancer Syndrome; Neoplastic Syndromes, Hereditary; Tumor predisposition; Hereditary neoplastic syndrome. Identifiers: Orphanet 140162, MedGen C0027672, MeSH D009386, MONDO:0015356.
Hereditary breast ovarian cancer syndrome. Also called: Breast and ovarian cancer; Hereditary breast and ovarian cancer; Hereditary breast and/or ovarian cancer syndrome; BRCA1- and BRCA2-Associated Hereditary Breast and Ovarian Cancer; Hereditary breast and ovarian cancer syndrome (HBOC); Hereditary breast and ovarian cancer syndrome. Identifiers: Orphanet 145, MedGen C0677776, MeSH D061325, MONDO:0003582. Disease mechanism: loss of function.

Submissions (3):

Labcorp Genetics (formerly Invitae), Labcorp
Classification: Uncertain significance for Hereditary breast ovarian cancer syndrome. Last evaluated: 2024-12-23. Review status: criteria provided, single submitter. Criteria: Invitae Variant Classification Sherloc (09022015). Collection method: clinical testing. Allele origin: germline.
Comment: This sequence change replaces alanine, which is neutral and non-polar, with serine, which is neutral and polar, at codon 1799 of the BRCA2 protein (p.Ala1799Ser). This variant is not present in population databases (gnomAD no frequency). This variant has not been reported in the literature in individuals affected with BRCA2-related conditions. ClinVar contains an entry for this variant (Variation ID: 1747247). Invitae Evidence Modeling of protein sequence and biophysical properties (such as structural, functional, and spatial information, amino acid conservation, physicochemical variation, residue mobility, and thermodynamic stability) indicates that this missense variant is not expected to disrupt BRCA2 protein function with a negative predictive value of 95%. In summary, the available evidence is currently insufficient to determine the role of this variant in disease. Therefore, it has been classified as a Variant of Uncertain Significance.

University of Washington Department of Laboratory Medicine, University of Washington
Classification: Likely benign for Hereditary cancer-predisposing syndrome. Last evaluated: 2023-03-23. Review status: criteria provided, single submitter. Criteria: Dines et al. (Genet Med. 2020). Collection method: curation. Allele origin: germline.
Comment: Missense variant in a coldspot region where missense variants are very unlikely to be pathogenic (PMID:31911673).

BRCA2 exon 11 coldspot. Reclassification based on statistical prior probability.

Ambry Genetics
Classification: Uncertain significance for Hereditary cancer-predisposing syndrome. Last evaluated: 2020-12-31. Review status: criteria provided, single submitter. Criteria: Ambry Variant Classification Scheme 2023. Collection method: clinical testing. Allele origin: germline.
Comment: The p.A1799S variant (also known as c.5395G>T), located in coding exon 10 of the BRCA2 gene, results from a G to T substitution at nucleotide position 5395. The alanine at codon 1799 is replaced by serine, an amino acid with similar properties. This amino acid position is poorly conserved in available vertebrate species. In addition, this alteration is predicted to be tolerated by in silico analysis. Since supporting evidence is limited at this time, the clinical significance of this alteration remains unclear.

NM_000059.4(BRCA2):c.5395G>T (p.Ala1799Ser)

Gene: BRCA2 (BRCA2 DNA repair associated; plus strand). Cytogenetic location: 13q13.1.
Variant type: single nucleotide variant.
Coding change: c.5395G>T on transcript NM_000059.4 (MANE Select); coding-DNA position 5395, G replaced by T.
Protein change: p.Ala1799Ser; replaces alanine 1799 with serine.
Molecular consequence: missense variant.
Genome position (GRCh38, 1-based): chr13:32,339,750, G>T. VCF-style: chr13-32339750-G-T. GRCh37 (hg19) VCF-style: chr13-32913887-G-T.
Other names: c.5395G>T, p.Ala1799Ser (NM_001406719.1, NM_001406720.1); short protein forms A1799S.
Identifiers: ClinVar variation 1747247 (VCV001747247.9), dbSNP rs2137517102, ClinGen allele CA387785295.